The following is an entry in ClinVar:

NM_001367805.3(KIF23):c.1115-3C>T

Gene: KIF23 (kinesin family member 23; plus strand). Cytogenetic location: 15q23.
Variant type: single nucleotide variant.
Coding change: c.1115-3C>T on transcript NM_001367805.3 (MANE Select); 3 bases into the intron before coding-DNA position 1115, C replaced by T.
Molecular consequence: intron variant.
Genome position (GRCh38, 1-based): chr15:69,435,480, C>T. VCF-style: chr15-69435480-C-T. GRCh37 (hg19) VCF-style: chr15-69727819-C-T.
Other names: c.1073-3C>T (NM_138555.3, NM_138555.4, NM_001367804.2 and 1 more transcripts); c.743-3C>T (NM_001281301.2).
Identifiers: ClinVar variation 2062982 (VCV002062982.7), dbSNP rs199787114, ClinGen allele CA7635088.

ClinVar aggregate classification (germline): Conflicting classifications of pathogenicity. Review status: criteria provided, conflicting classifications (1 of 4 stars). 3 submissions from 3 submitters: Uncertain significance (1); Likely benign (1). 1 of the submissions does not count toward it. Last evaluated 2026-01-05.

Conditions:
KIF23-related disorder. Also called: KIF23-related condition.

Allele frequency attached by ClinVar (database versions not stated): gnomAD exomes 0.00005; ExAC 0.00006; ESP Exome Variant Server 0.00008; gnomAD 0.00011; TOPMed 0.00011; 1000 Genomes Project 0.00040; 1000 Genomes Project 30x 0.00047.
gnomAD v4.1: 112 of 1,609,664 alleles (0.007%); highest among the groups gnomAD compares: Middle Eastern, 0.12%; no homozygotes.

Submissions (3):

Labcorp Genetics (formerly Invitae), Labcorp
Classification: Uncertain significance. Last evaluated: 2026-01-05. Review status: criteria provided, single submitter. Criteria: Invitae Variant Classification Sherloc (09022015). Collection method: clinical testing. Allele origin: germline.
Comment: This sequence change falls in intron 10 of the KIF23 gene. It does not directly change the encoded amino acid sequence of the KIF23 protein. It affects a nucleotide within the consensus splice site. This variant is present in population databases (rs199787114, gnomAD 0.03%). This variant has not been reported in the literature in individuals affected with KIF23-related conditions. ClinVar contains an entry for this variant (Variation ID: 2062982). Variants that disrupt the consensus splice site are a relatively common cause of aberrant splicing (PMID: 17576681, 9536098). Algorithms developed to predict the effect of sequence changes on RNA splicing suggest that this variant is not likely to affect RNA splicing. In summary, the available evidence is currently insufficient to determine the role of this variant in disease. Therefore, it has been classified as a Variant of Uncertain Significance.

Blueprint Genetics
Classification: Likely benign. Last evaluated: 2024-06-25. Review status: criteria provided, single submitter. Criteria: ACMG Guidelines, 2015. Collection method: clinical testing. Allele origin: germline.

PreventionGenetics, part of Exact Sciences
Classification: Likely benign for KIF23-related condition. Last evaluated: 2019-06-24. Review status: no assertion criteria provided. Collection method: clinical testing. Allele origin: germline. Not counted in ClinVar's aggregate classification.
Comment: This variant is classified as likely benign based on ACMG/AMP sequence variant interpretation guidelines (Richards et al. 2015 PMID: 25741868, with internal and published modifications).

Literature cited by the submitters: PubMed 17576681 (cited by Labcorp Genetics (formerly Invitae), Labcorp); PubMed 9536098 (cited by Labcorp Genetics (formerly Invitae), Labcorp).